The following is an entry in ClinVar:

ClinVar aggregate classification (germline): Uncertain significance. Review status: criteria provided, multiple submitters, no conflicts (2 of 4 stars). 4 submissions from 4 submitters: Uncertain significance (4). Last evaluated 2026-01-26.

Conditions:
FRAS1-related disorder. Also called: FRAS1-related condition.
Fraser syndrome 1 (FRASRS1). Also called: CRYPTOPHTHALMOS WITH OTHER MALFORMATIONS. Identifiers: Orphanet 2052, MedGen C4551480, MONDO:0054737, OMIM 219000.

Allele frequency attached by ClinVar (database versions not stated): gnomAD 0.00003 and 0.00004; gnomAD exomes 0.00003; TOPMed 0.00004; ExAC 0.00005.
gnomAD v4.1: 63 of 1,610,468 alleles (0.0039%); highest among the groups gnomAD compares: Non-Finnish European, 0.0043%; no homozygotes.

Submissions (4):

PreventionGenetics, part of Exact Sciences
Classification: Uncertain significance for FRAS1-related condition. Last evaluated: 2026-01-26. Review status: criteria provided, single submitter. Criteria: ACMG Guidelines, 2015. Collection method: clinical testing. Allele origin: germline.
Comment: The FRAS1 c.10609C>T variant is predicted to result in the amino acid substitution p.Arg3537Cys. To our knowledge, this variant has not been reported in the literature. This variant is reported in 0.0080% of alleles in individuals of European (Finnish) descent in gnomAD. At this time, the clinical significance of this variant is uncertain due to the absence of conclusive functional and genetic evidence.

Fulgent Genetics
Classification: Uncertain significance for Fraser syndrome 1. Last evaluated: 2022-05-05. Review status: criteria provided, single submitter. Criteria: ACMG Guidelines, 2015. Collection method: clinical testing. Allele origin: unknown.

Illumina Laboratory Services, Illumina
Classification: Uncertain significance for Fraser syndrome 1. Last evaluated: 2018-01-13. Review status: criteria provided, single submitter. Criteria: ICSL Variant Classification Criteria 13 December 2019. Collection method: clinical testing. Allele origin: germline.

GeneDx
Classification: Uncertain significance. Last evaluated: 2017-05-03. Review status: criteria provided, single submitter. Criteria: GeneDx Variant Classification (06012015). Collection method: clinical testing. Allele origin: germline. Affected: yes.
Comment: The R3537C variant in the FRAS1 gene has not been reported previously as a pathogenic variant, nor as a benign variant, to our knowledge. The R3537C variant is observed in 1/6,608 (0.015%) alleles from individuals of European (Finnish) background in the ExAC dataset (Lek et al., 2016). The R3537C variant is a non-conservative amino acid substitution, which is likely to impact secondary protein structure as these residues differ in polarity, charge, size and/or other properties. This substitution occurs at a position that is conserved across species. In silico analysis predicts this variant is probably damaging to the protein structure/function. We interpret R3537C as a variant of uncertain significance.

NM_025074.7(FRAS1):c.10609C>T (p.Arg3537Cys)

Gene: FRAS1 (Fraser extracellular matrix complex subunit 1; plus strand). Cytogenetic location: 4q21.21.
Variant type: single nucleotide variant.
Coding change: c.10609C>T on transcript NM_025074.7 (MANE Select); coding-DNA position 10609, C replaced by T.
Protein change: p.Arg3537Cys; replaces arginine 3537 with cysteine.
Molecular consequence: missense variant.
Genome position (GRCh38, 1-based): chr4:78,521,591, C>T. VCF-style: chr4-78521591-C-T. GRCh37 (hg19) VCF-style: chr4-79442745-C-T.
Other names: short protein forms R3537C.
Identifiers: ClinVar variation 349803 (VCV000349803.8), dbSNP rs779521854, ClinGen allele CA2979020.